The following is an entry in ClinVar:

ClinVar aggregate classification (germline): Uncertain significance. Review status: criteria provided, multiple submitters, no conflicts (2 of 4 stars). 5 submissions from 5 submitters: Uncertain significance (4). 1 of the submissions does not count toward it. Last evaluated 2025-09-01.

Conditions:
Usher syndrome type 1 (USH1). Also called: RETINITIS PIGMENTOSA AND CONGENITAL DEAFNESS. Identifiers: Orphanet 231169, Orphanet 886, MedGen C1568247, MONDO:0010168, OMIM 276900.

Allele frequency attached by ClinVar (database versions not stated): ExAC 0.00005; gnomAD exomes 0.00007 and 0.00015; ESP Exome Variant Server 0.00008; gnomAD 0.00010; TOPMed 0.00012.
gnomAD v4.1: 238 of 1,613,532 alleles (0.015%); highest among the groups gnomAD compares: Non-Finnish European, 0.018%; no homozygotes.

Submissions (5):

CeGaT Center for Human Genetics Tuebingen
Classification: Uncertain significance. Last evaluated: 2025-09-01. Review status: criteria provided, single submitter. Criteria: CeGaT Center For Human Genetics Tuebingen Variant Classification Criteria Version 2. Collection method: clinical testing. Allele origin: germline. Affected: yes. Observed: 1 variant allele.
Comment: CDH23: PM2

GeneDx
Classification: Uncertain significance. Last evaluated: 2025-05-02. Review status: criteria provided, single submitter. Criteria: GeneDx Variant Classification Process June 2021. Collection method: clinical testing. Allele origin: germline. Affected: yes.
Comment: In silico analysis supports that this missense variant has a deleterious effect on protein structure/function; Has not been previously published as pathogenic or benign to our knowledge

Blueprint Genetics
Classification: Uncertain significance. Last evaluated: 2024-11-20. Review status: criteria provided, single submitter. Criteria: ACMG Guidelines, 2015. Collection method: clinical testing. Allele origin: germline.

Labcorp Genetics (formerly Invitae), Labcorp
Classification: Uncertain significance. Last evaluated: 2022-08-23. Review status: criteria provided, single submitter. Criteria: Invitae Variant Classification Sherloc (09022015). Collection method: clinical testing. Allele origin: germline.
Comment: This sequence change replaces arginine, which is basic and polar, with glutamine, which is neutral and polar, at codon 736 of the CDH23 protein (p.Arg736Gln). The frequency data for this variant in the population databases is considered unreliable, as metrics indicate poor data quality at this position in the gnomAD database. This variant has not been reported in the literature in individuals affected with CDH23-related conditions. ClinVar contains an entry for this variant (Variation ID: 850599). Algorithms developed to predict the effect of missense changes on protein structure and function are either unavailable or do not agree on the potential impact of this missense change (SIFT: "Deleterious"; PolyPhen-2: "Not Available"; Align-GVGD: "Class C0"). In summary, the available evidence is currently insufficient to determine the role of this variant in disease. Therefore, it has been classified as a Variant of Uncertain Significance.

Natera, Inc.
Classification: Uncertain significance for Usher syndrome type 1. Last evaluated: 2019-11-11. Review status: no assertion criteria provided. Collection method: clinical testing. Allele origin: germline. Not counted in ClinVar's aggregate classification.

NM_022124.6(CDH23):c.2207G>A (p.Arg736Gln)

Gene: CDH23 (cadherin related 23; plus strand). Cytogenetic location: 10q22.1.
Variant type: single nucleotide variant.
Coding change: c.2207G>A on transcript NM_022124.6 (MANE Select); coding-DNA position 2207, G replaced by A.
Protein change: p.Arg736Gln; replaces arginine 736 with glutamine.
Molecular consequence: missense variant.
Genome position (GRCh38, 1-based): chr10:71,694,177, G>A. VCF-style: chr10-71694177-G-A. GRCh37 (hg19) VCF-style: chr10-73453934-G-A.
Other names: c.2207G>A, p.Arg736Gln (NM_001171930.2, NM_001171931.2); short protein forms R736Q.
Identifiers: ClinVar variation 850599 (VCV000850599.13), dbSNP rs377348311, ClinGen allele CA5544130.